The following is an entry in ClinVar:

NM_000512.5(GALNS):c.752G>A (p.Arg251Gln)

Gene: GALNS (galactosamine (N-acetyl)-6-sulfatase; minus strand). Cytogenetic location: 16q24.3.
Variant type: single nucleotide variant.
Coding change: c.752G>A on transcript NM_000512.5 (MANE Select); coding-DNA position 752, G replaced by A.
Protein change: p.Arg251Gln; replaces arginine 251 with glutamine.
Molecular consequence: missense variant.
Genome position (GRCh38, 1-based): chr16:88,835,731, C>T on the plus strand (G>A on the coding strand, the complement: GALNS is on the minus strand). VCF-style: chr16-88835731-C-T. GRCh37 (hg19) VCF-style: chr16-88902139-C-T.
Other names: c.752G>A (NM_000512.4); c.197G>A, p.Arg66Gln (NM_001323543.2); c.770G>A, p.Arg257Gln (NM_001323544.2); short protein forms R251Q, R257Q, R66Q.
Identifiers: ClinVar variation 1048210 (VCV001048210.11), dbSNP rs1199639828, ClinGen allele CA397079640.
Genomic context (GRCh38, chr16:88,835,731, plus strand): 5'-CAAGCACAGCTGGGGCCTCCAGCGAGGTCTATGCTCCATGGAGCCAGGACTCACCGCCCT[C>T]GCTGACTGGTGCCCAAGAAGGGTTTGGAGGCATAGACGGGTGCGTGCGTGGCGTCGACAG-3'
Protein context (NP_000503.1, residues 241-261): ASKPFLGTSQ[Arg251Gln]GRYGDAVREI

ClinVar aggregate classification (germline): Pathogenic/Likely pathogenic. Review status: criteria provided, multiple submitters, no conflicts (2 of 4 stars). 5 submissions from 5 submitters: Pathogenic (2); Likely pathogenic (3). Last evaluated 2026-05-13.

Conditions:
Mucopolysaccharidosis, MPS-IV-A (MPS4A). Also called: MORQUIO SYNDROME A; Mucopolysaccharidosis Type IVA; MORQUIO A DISEASE; Morquio syndrome A, mild; mucopolysaccharidosis type 4A; GALACTOSAMINE-6-SULFATASE DEFICIENCY. Identifiers: Orphanet 309297, Orphanet 582, MedGen C0086651, MONDO:0009659, OMIM 253000.
GALNS-related disorder. Also called: GALNS-related condition.

Allele frequency attached by ClinVar (database versions not stated): gnomAD 0.00001; gnomAD exomes 0.00001; TOPMed 0.00001.
gnomAD v4.1: 8 of 1,613,920 alleles (0.0005%); highest among the groups gnomAD compares: Non-Finnish European, 0.00051%; no homozygotes.

Submissions (5):

PreventionGenetics, part of Exact Sciences
Classification: Pathogenic for GALNS-related condition. Last evaluated: 2026-05-13. Review status: criteria provided, single submitter. Criteria: ACMG Guidelines, 2015. Collection method: clinical testing. Allele origin: germline.
Comment: The GALNS c.752G>A variant is predicted to result in the amino acid substitution p.Arg251Gln. This variant has been reported in the homozygous state or along with a second variant in the same gene in individuals with mucopolysaccharidosis IVA (Lee et al. 2012. PubMed ID: 23227063; Tüysüz et al. 2019. PubMed ID: 30980944; Table S1, Yi et al. 2022. PubMed ID: 35212421; Morrone et al. 2014. PubMed ID: 24726177). This variant has not been reported in a large population database (gnomAD), indicating this variant is rare. Based on the available evidence, this variant is interpreted as pathogenic.

Labcorp Genetics (formerly Invitae), Labcorp
Classification: Pathogenic for Mucopolysaccharidosis, MPS-IV-A. Last evaluated: 2025-07-21. Review status: criteria provided, single submitter. Criteria: Invitae Variant Classification Sherloc (09022015). Collection method: clinical testing. Allele origin: germline.
Comment: This sequence change replaces arginine, which is basic and polar, with glutamine, which is neutral and polar, at codon 251 of the GALNS protein (p.Arg251Gln). This variant is not present in population databases (gnomAD no frequency). This missense change has been observed in individual(s) with mucopolysaccharidosis type IVA (PMID: 23227063, 24726177, 30980944). ClinVar contains an entry for this variant (Variation ID: 1048210). Invitae Evidence Modeling of protein sequence and biophysical properties (such as structural, functional, and spatial information, amino acid conservation, physicochemical variation, residue mobility, and thermodynamic stability) indicates that this missense variant is expected to disrupt GALNS protein function with a positive predictive value of 95%. For these reasons, this variant has been classified as Pathogenic.

Fulgent Genetics
Classification: Likely pathogenic for Mucopolysaccharidosis, MPS-IV-A. Last evaluated: 2024-06-18. Review status: criteria provided, single submitter. Criteria: ACMG Guidelines, 2015. Collection method: clinical testing. Allele origin: germline.

Laboratory of Diagnosis and Therapy of Lysosomal Disorders, University of Padova
Classification: Likely pathogenic for Mucopolysaccharidosis, MPS-IV-A. Last evaluated: 2021-02-01. Review status: criteria provided, single submitter. Criteria: ACMG Guidelines, 2015. Collection method: research. Allele origin: germline. Affected: yes.
Comment: The prevalence of the variant in affected individuals is significantly increased compared with the prevalence in controls (PS4_moderate); absent from gnomAD v2.1.1 (PM2_moderate); cosegregation with disease in multiple affected family members in a gene definitively known to cause the disease (PP1_supporting); multiple lines of computational evidence support a deleterious effect on the gene (PP3_supporting)

Kasturba Medical College, Manipal, Kasturba Medical College, Manipal, Manipal Academy of Higher Education, Manipal, India
Classification: Likely pathogenic for Mucopolysaccharidosis, MPS-IV-A. Review status: criteria provided, single submitter. Criteria: ACMG Guidelines, 2015. Collection method: clinical testing. Allele origin: inherited. Inheritance: Autosomal recessive inheritance. Affected: yes. Observed: 2 variant alleles, 2 heterozygotes, 2 homozygotes.

Literature cited by the submitters: PubMed 23227063 (cited by Labcorp Genetics (formerly Invitae), Labcorp and Laboratory of Diagnosis and Therapy of Lysosomal Disorders, University of Padova); PubMed 24726177 (cited by 3 submitters); PubMed 30980944 (cited by Labcorp Genetics (formerly Invitae), Labcorp and Laboratory of Diagnosis and Therapy of Lysosomal Disorders, University of Padova); PubMed 23401410 (cited by Laboratory of Diagnosis and Therapy of Lysosomal Disorders, University of Padova); PubMed 24120057 (cited by Laboratory of Diagnosis and Therapy of Lysosomal Disorders, University of Padova); PubMed 25252036 (cited by Laboratory of Diagnosis and Therapy of Lysosomal Disorders, University of Padova); PubMed 34387910 (cited by Laboratory of Diagnosis and Therapy of Lysosomal Disorders, University of Padova).